The following is an entry in ClinVar:

ClinVar aggregate classification (germline): Conflicting classifications of pathogenicity. Review status: criteria provided, conflicting classifications (1 of 4 stars). 3 submissions from 3 submitters: Uncertain significance (1); Benign (1); Likely benign (1). Last evaluated 2026-05-26.

Conditions:
TECTA-related disorder. Also called: TECTA-related condition.

Allele frequency attached by ClinVar (database versions not stated): ExAC 0.00012; gnomAD exomes 0.00013; 1000 Genomes Project 30x 0.00016; 1000 Genomes Project 0.00020; ESP Exome Variant Server 0.00031; gnomAD 0.00041 and 0.00046; TOPMed 0.00051.
gnomAD v4.1: 121 of 1,614,254 alleles (0.0075%); highest among the groups gnomAD compares: African/African-American, 0.15%; no homozygotes.

Submissions (3):

PreventionGenetics, part of Exact Sciences
Classification: Likely benign for TECTA-related condition. Last evaluated: 2026-05-26. Review status: criteria provided, single submitter. Criteria: ACMG Guidelines, 2015. Collection method: clinical testing. Allele origin: germline.
Comment: This variant is classified as likely benign based on ACMG/AMP sequence variant interpretation guidelines (Richards et al. 2015 PMID: 25741868, with internal and published modifications).

Labcorp Genetics (formerly Invitae), Labcorp
Classification: Benign. Last evaluated: 2025-03-31. Review status: criteria provided, single submitter. Criteria: Invitae Variant Classification Sherloc (09022015). Collection method: clinical testing. Allele origin: germline.

GeneDx
Classification: Uncertain significance. Last evaluated: 2020-06-11. Review status: criteria provided, single submitter. Criteria: GeneDx Variant Classification Process June 2021. Collection method: clinical testing. Allele origin: germline. Affected: yes.
Comment: In silico analysis supports that this missense variant does not alter protein structure/function; Has not been previously published as pathogenic or benign to our knowledge

NM_005422.4(TECTA):c.3896A>G (p.Gln1299Arg)

Genes: TBCEL-TECTA (TBCEL-TECTA readthrough; plus strand), TECTA (tectorin alpha; plus strand). Cytogenetic location: 11q23.3.
Variant type: single nucleotide variant.
Coding change: c.3896A>G on transcript NM_005422.4 (MANE Select); coding-DNA position 3896, A replaced by G.
Protein change: p.Gln1299Arg; replaces glutamine 1299 with arginine.
Molecular consequence: missense variant.
Genome position (GRCh38, 1-based): chr11:121,145,907, A>G. VCF-style: chr11-121145907-A-G. GRCh37 (hg19) VCF-style: chr11-121016616-A-G.
Other names: c.4853A>G, p.Gln1618Arg (NM_001378761.1); short protein forms Q1299R, Q1618R.
Identifiers: ClinVar variation 1201099 (VCV001201099.9), dbSNP rs137916023, ClinGen allele CA6327308.
Genomic context (GRCh38, chr11:121,145,907, plus strand): 5'-TGGGCTGTGGGGACCGCTGTCCGTCCTGTGCCAAGGTGGAAGGTTTCTCCAAAGTGCAGC[A>G]GCTGTGCAGCCTGATCCCCAACCAGAACGCTGCCTTCTCCAAGTGTCACAGCAAAGTTAA-3'
Protein context (NP_005413.2, residues 1289-1309): AKVEGFSKVQ[Gln1299Arg]LCSLIPNQNA